The following is an entry in ClinVar:

NM_024675.4(PALB2):c.443_446del (p.Lys148fs)

Gene: PALB2 (partner and localizer of BRCA2; minus strand). Cytogenetic location: 16p12.2.
Variant type: Microsatellite.
Coding change: c.443_446del on transcript NM_024675.4 (MANE Select); coding-DNA positions 443 to 446, 4 bases deleted (AGAA; older notation c.443_446delAGAA).
Protein change: p.Lys148fs; shifts the reading frame from lysine 148.
Molecular consequence: frameshift variant. On other transcripts: 5 prime UTR variant (8), intron variant (3).
Genome position (GRCh38, 1-based): chr16:23,636,100-23,636,103, TTCT deleted on the plus strand (AGAA on the coding strand, the reverse complement: PALB2 is on the minus strand); deleting any 4 consecutive bases within chr16:23,636,100-23,636,108 gives the same sequence; the c. name uses the placement nearest the transcript's 3' end. VCF-style (leftmost placement, unchanged base first): chr16-23636099-CTTCT-C. GRCh37 (hg19) VCF-style: chr16-23647420-CTTCT-C.
Other names: c.443_446delAGAA (NM_024675.3); c.383_386del, p.Lys128fs (NM_001407296.1); c.443_446del, p.Lys148fs (NM_001407297.1, NM_001407298.1, NM_001407299.1 and 3 more transcripts); c.-447AGAA[1] (NM_001407304.1, NM_001407305.1, NM_001407306.1 and 5 more transcripts); c.438_441AAGA[1], p.Lys148Serfs (NM_024675.3); c.48+5007_48+5010del (NM_001407314.1); c.-105+5007_-105+5010del (NM_001407313.1, NM_001407312.1); short protein forms K128fs, K148fs.
Identifiers: ClinVar variation 2674047 (VCV002674047.2), dbSNP rs2506512269, ClinGen allele CA2695197552.

ClinVar aggregate classification (germline): Pathogenic. Review status: criteria provided, multiple submitters, no conflicts (2 of 4 stars). 2 submissions from 2 submitters: Pathogenic (2). Last evaluated 2025-10-22.

Conditions:
Hereditary cancer-predisposing syndrome. Also called: Tumor predisposition; Hereditary neoplastic syndrome; Neoplastic Syndromes, Hereditary; Hereditary Cancer Syndrome. Identifiers: Orphanet 140162, MedGen C0027672, MeSH D009386, MONDO:0015356.
Familial cancer of breast. Also called: Hereditary breast cancer; BREAST CANCER, FAMILIAL; hereditary breast carcinoma. Identifiers: Orphanet 227535, MedGen C0346153, MONDO:0016419, OMIM 114480. Disease mechanism: loss of function.

Submissions (2):

Ambry Genetics
Classification: Pathogenic for Hereditary cancer-predisposing syndrome. Last evaluated: 2025-10-22. Review status: criteria provided, single submitter. Criteria: Ambry Variant Classification Scheme 2023. Collection method: clinical testing. Allele origin: germline.
Comment: The c.443_446delAGAA pathogenic mutation, located in coding exon 4 of the PALB2 gene, results from a deletion of 4 nucleotides at nucleotide positions 443 to 446, causing a translational frameshift with a predicted alternate stop codon (p.K148Sfs*28). This variant is considered to be rare based on population cohorts in the Genome Aggregation Database (gnomAD). This alteration is expected to result in loss of function by premature protein truncation or nonsense-mediated mRNA decay. As such, this alteration is interpreted as a disease-causing mutation.

Myriad Genetics, Inc.
Classification: Pathogenic for Familial cancer of breast. Last evaluated: 2023-09-06. Review status: criteria provided, single submitter. Criteria: Myriad Autosomal Dominant, Autosomal Recessive and X-Linked Classification Criteria (2023). Collection method: clinical testing. Allele origin: unknown.
Comment: This variant is considered pathogenic. This variant creates a frameshift predicted to result in premature protein truncation.